The following is an entry in ClinVar:

ClinVar aggregate classification (germline): Likely benign (1 of 4 stars; one submission).

Conditions:
PRSS56-related disorder. Also called: PRSS56-related condition.

gnomAD v4.1: 59 of 1,535,660 alleles (0.0038%); highest among the groups gnomAD compares: Admixed American, 0.0059%; no homozygotes.

Submission:

PreventionGenetics, part of Exact Sciences
Classification: Likely benign for PRSS56-related condition. Last evaluated: 2026-03-12. Review status: criteria provided, single submitter. Criteria: ACMG Guidelines, 2015. Collection method: clinical testing. Allele origin: germline.
Comment: This variant is classified as likely benign based on ACMG/AMP sequence variant interpretation guidelines (Richards et al. 2015 PMID: 25741868, with internal and published modifications).

NM_001195129.2(PRSS56):c.1352-4C>T

Gene: PRSS56 (serine protease 56; plus strand). Cytogenetic location: 2q37.1.
Variant type: single nucleotide variant.
Coding change: c.1352-4C>T on transcript NM_001195129.2 (MANE Select); 4 bases into the intron before coding-DNA position 1352, C replaced by T.
Molecular consequence: intron variant.
Genome position (GRCh38, 1-based): chr2:232,524,303, C>T. VCF-style: chr2-232524303-C-T. GRCh37 (hg19) VCF-style: chr2-233389013-C-T.
Other names: c.1355-4C>T (NM_001369848.1).
Identifiers: ClinVar variation 4977249 (VCV004977249.1).